The following is an entry in ClinVar:

NM_001162501.2(TNRC6B):c.3697A>G (p.Ile1233Val)

Gene: TNRC6B (trinucleotide repeat containing adaptor 6B; plus strand). Cytogenetic location: 22q13.1.
Variant type: single nucleotide variant.
Coding change: c.3697A>G on transcript NM_001162501.2 (MANE Select); coding-DNA position 3697, A replaced by G.
Protein change: p.Ile1233Val; replaces isoleucine 1233 with valine.
Molecular consequence: missense variant.
Genome position (GRCh38, 1-based): chr22:40,285,759, A>G. VCF-style: chr22-40285759-A-G. GRCh37 (hg19) VCF-style: chr22-40681763-A-G.
Other names: c.1285A>G, p.Ile429Val (NM_001024843.2); c.3367A>G, p.Ile1123Val (NM_015088.3); short protein forms I1123V, I1233V, I429V.
Identifiers: ClinVar variation 4853727 (VCV004853727.1).

ClinVar aggregate classification (germline): Uncertain significance (1 of 4 stars; one submission).

Submission:

Women's Health and Genetics/Laboratory Corporation of America, LabCorp
Classification: Uncertain significance. Last evaluated: 2026-05-29. Review status: criteria provided, single submitter. Criteria: LabCorp Variant Classification Summary - May 2015. Collection method: clinical testing. Allele origin: germline.
Comment: Variant summary: TNRC6B c.3697A>G (p.Ile1233Val) results in a conservative amino acid change in the encoded protein sequence. Algorithms developed to predict the effect of missense changes on protein structure and function all suggest that this variant is likely to be tolerated. The variant allele was found at a frequency of 1.6e-05 in 248212 control chromosomes. The available data on variant occurrences in the general population are insufficient to allow any conclusion about variant significance. To our knowledge, no occurrence of c.3697A>G in individuals affected with TNRC6B-related conditions and no experimental evidence demonstrating its impact on protein function have been reported. No submitters have cited clinical-significance assessments for this variant to ClinVar. Based on the evidence outlined above, the variant was classified as uncertain significance.